The following is an entry in ClinVar:

ClinVar aggregate classification (germline): Uncertain significance. Review status: criteria provided, multiple submitters, no conflicts (2 of 4 stars). 4 submissions from 3 submitters: Uncertain significance (4). Last evaluated 2024-04-28.

Conditions:
Transitory neonatal diabetes mellitus. Also called: Transient neonatal diabetes mellitus. Identifiers: MedGen C0342273, MONDO:0020525, HP:0008255.
Type 2 diabetes mellitus. Also called: Type II diabetes mellitus. Identifiers: MedGen C0011860, MeSH D003924, MONDO:0005148, OMIM 125853, HP:0005978.
Diabetes mellitus, permanent neonatal 3. Also called: ABCC8-Related Permanent Neonatal Diabetes Mellitus. Identifiers: MedGen C5394303, MONDO:0030088, OMIM 618857.
Hyperinsulinemic hypoglycemia, familial, 1 (HHF1). Also called: Persistent hyperinsulinemic hypoglycemia of infancy; Persistent Hyperinsulinemia Hypoglycemia of Infancy; HYPERINSULINISM, FAMILIAL, WITH PANCREATIC NESIDIOBLASTOSIS; HYPOGLYCEMIA, HYPERINSULINEMIC, OF INFANCY; NESIDIOBLASTOSIS OF PANCREAS. Identifiers: Orphanet 276575, Orphanet 276598, MedGen C2931832, MONDO:0009734, OMIM 256450.
Leucine-induced hypoglycemia (LIH). Also called: LEUCINE-SENSITIVE HYPOGLYCEMIA OF INFANCY. Identifiers: MedGen C0271714, MONDO:0009415, OMIM 240800.
Diabetes mellitus, transient neonatal, 2 (TNDM2). Identifiers: Orphanet 99886, MedGen C1835887, MONDO:0012480, OMIM 610374. Disease mechanism: loss of function.
Maturity-onset diabetes of the young (MODY). Also called: Maturity onset diabetes mellitus in young. Identifiers: Orphanet 552, MedGen C0342276, MONDO:0018911, HP:0004904.

Allele frequency attached by ClinVar (database versions not stated): gnomAD exomes 0.00001.

Submissions (4):

Fulgent Genetics
Classification: Uncertain significance for Type 2 diabetes mellitus; Leucine-induced hypoglycemia; Hyperinsulinemic hypoglycemia, familial, 1; Diabetes mellitus, transient neonatal, 2; Diabetes mellitus, permanent neonatal 3. Last evaluated: 2024-04-28. Review status: criteria provided, single submitter. Criteria: ACMG Guidelines, 2015. Collection method: clinical testing. Allele origin: germline.

Genetic Services Laboratory, University of Chicago
Classification: Uncertain significance. Last evaluated: 2016-03-10. Review status: criteria provided, single submitter. Criteria: ACMG Guidelines, 2015. Collection method: clinical testing. Allele origin: germline. Affected: no.

Clinical Genomics, Uppaluri K&H Personalized Medicine Clinic
Classification: Uncertain significance for Transitory neonatal diabetes mellitus. Review status: criteria provided, single submitter. Criteria: K & H Uppaluri Personalized Medicine Clinic Variant Classification & Assertion Criteria_Updated V.1. Collection method: research. Allele origin: unknown. Inheritance: Somatic mutation.
Comment: Mutations in ABCC8 gene are associated with both neonatal diabetes mellitus as well as MODY. Patients with this mutation may have a better response to sulfonylureas. However, no sufficient evidence is found to ascertain the role of this particular variant (rs1554926621) in neonatal diabetes yet.

Clinical Genomics, Uppaluri K&H Personalized Medicine Clinic
Classification: Uncertain significance for Maturity-onset diabetes of the young. Review status: criteria provided, single submitter. Criteria: K & H Uppaluri Personalized Medicine Clinic Variant Classification & Assertion Criteria_Updated V.1. Collection method: research. Allele origin: unknown. Inheritance: Somatic mutation.
Comment: Mutations in ABCC8 gene are associated with both neonatal diabetes mellitus as well as MODY. Patients with this mutation may have a better response to sulfonylureas. However, no sufficient evidence is found to ascertain the role of this particular variant (rs1554926621) in MODY yet.

Literature cited by the submitters: PubMed 16885549 (cited by Clinical Genomics, Uppaluri K&H Personalized Medicine Clinic); PubMed 21989597 (cited by Clinical Genomics, Uppaluri K&H Personalized Medicine Clinic); PubMed 27538677 (cited by Clinical Genomics, Uppaluri K&H Personalized Medicine Clinic); PubMed 18981553 (cited by Clinical Genomics, Uppaluri K&H Personalized Medicine Clinic); PubMed 32027066 (cited by Clinical Genomics, Uppaluri K&H Personalized Medicine Clinic); PubMed 16613899 (cited by Clinical Genomics, Uppaluri K&H Personalized Medicine Clinic); PubMed 18025408 (cited by Clinical Genomics, Uppaluri K&H Personalized Medicine Clinic); PubMed 32792356 (cited by Clinical Genomics, Uppaluri K&H Personalized Medicine Clinic).

NM_000352.6(ABCC8):c.1687G>A (p.Val563Ile)

Gene: ABCC8 (ATP binding cassette subfamily C member 8; minus strand). Cytogenetic location: 11p15.1.
Variant type: single nucleotide variant.
Coding change: c.1687G>A on transcript NM_000352.6 (MANE Select); coding-DNA position 1687, G replaced by A.
Protein change: p.Val563Ile; replaces valine 563 with isoleucine.
Molecular consequence: missense variant. On other transcripts: non-coding transcript variant (1).
Genome position (GRCh38, 1-based): chr11:17,430,944, C>T on the plus strand (G>A on the coding strand, the complement: ABCC8 is on the minus strand). VCF-style: chr11-17430944-C-T. GRCh37 (hg19) VCF-style: chr11-17452491-C-T.
Other names: c.1687G>A, p.Val563Ile (NM_001287174.3, NM_001351295.2); c.1684G>A, p.Val562Ile (NM_001351296.2, NM_001351297.2); short protein forms V563I, V562I.
Identifiers: ClinVar variation 434051 (VCV000434051.8), dbSNP rs1554926621, ClinGen allele CA379817140.
Genomic context (GRCh38, chr11:17,430,944, plus strand): 5'-AGAGGGAGAGGGAGGCAAAGGCCACGGAGGGCGAGAAGTCGGCCTCTTTGAAGAAGCTGA[C>T]GTGGCCCACGAAAGTCTGTGGACAGAGGCACAAGTGAGGCCAGGGTGGCCCAGGGTGTGG-3'
Protein context (NP_000343.2, residues 553-573): AAVLITFVGH[Val563Ile]SFFKEADFSP